The following is an entry in ClinVar:

NM_001844.5(COL2A1):c.2168G>A (p.Gly723Asp)

Gene: COL2A1 (collagen type II alpha 1 chain; minus strand). Cytogenetic location: 12q13.11.
Variant type: single nucleotide variant.
Coding change: c.2168G>A on transcript NM_001844.5 (MANE Select); coding-DNA position 2168, G replaced by A.
Protein change: p.Gly723Asp; replaces glycine 723 with aspartic acid.
Molecular consequence: missense variant.
Genome position (GRCh38, 1-based): chr12:47,982,873, C>T on the plus strand (G>A on the coding strand, the complement: COL2A1 is on the minus strand). VCF-style: chr12-47982873-C-T. GRCh37 (hg19) VCF-style: chr12-48376656-C-T.
Other names: c.1961G>A, p.Gly654Asp (NM_033150.3); short protein forms G654D, G723D.
Identifiers: ClinVar variation 1512067 (VCV001512067.6), dbSNP rs2136551055, ClinGen allele CA384546930.

ClinVar aggregate classification (germline): Pathogenic (1 of 4 stars; one submission).

Submission:

Labcorp Genetics (formerly Invitae), Labcorp
Classification: Pathogenic. Last evaluated: 2022-08-23. Review status: criteria provided, single submitter. Criteria: Invitae Variant Classification Sherloc (09022015). Collection method: clinical testing. Allele origin: germline.
Comment: For these reasons, this variant has been classified as Pathogenic. This variant disrupts the triple helix domain of COL2A1. Glycine residues within the Gly-Xaa-Yaa repeats of the triple helix domain are required for the structure and stability of fibrillar collagens (PMID: 7695699, 8218237, 19344236). In COL2A1, variants affecting these glycine residues are significantly enriched in individuals with disease (PMID: 9016532, 17078022) compared to the general population (ExAC). Advanced modeling of protein sequence and biophysical properties (such as structural, functional, and spatial information, amino acid conservation, physicochemical variation, residue mobility, and thermodynamic stability) performed at Invitae indicates that this missense variant is expected to disrupt COL2A1 protein function. This sequence change replaces glycine, which is neutral and non-polar, with aspartic acid, which is acidic and polar, at codon 723 of the COL2A1 protein (p.Gly723Asp). This variant is not present in population databases (gnomAD no frequency). This missense change has been observed in individual(s) with COL2A1-related conditions (Invitae). In at least one individual the variant was observed to be de novo. ClinVar contains an entry for this variant (Variation ID: 1512067).

Literature cited by the submitters: PubMed 7695699; PubMed 8218237; PubMed 19344236; PubMed 9016532; PubMed 17078022.